The following is an entry in ClinVar:

NM_000138.5(FBN1):c.6143C>T (p.Ser2048Phe)

Gene: FBN1 (fibrillin 1; minus strand). Cytogenetic location: 15q21.1.
Variant type: single nucleotide variant.
Coding change: c.6143C>T on transcript NM_000138.5 (MANE Select); coding-DNA position 6143, C replaced by T.
Protein change: p.Ser2048Phe; replaces serine 2048 with phenylalanine.
Molecular consequence: missense variant.
Genome position (GRCh38, 1-based): chr15:48,441,741, G>A on the plus strand (C>T on the coding strand, the complement: FBN1 is on the minus strand). VCF-style: chr15-48441741-G-A. GRCh37 (hg19) VCF-style: chr15-48733938-G-A.
Other names: short protein forms S2048F.
Identifiers: ClinVar variation 628860 (VCV000628860.6), dbSNP rs1566897382, ClinGen allele CA392338006.

ClinVar aggregate classification (germline): Uncertain significance (1 of 4 stars; one submission).

Conditions:
Familial thoracic aortic aneurysm and aortic dissection (TAAD). Also called: Thoracic aortic aneurysms and dissections. Identifiers: Orphanet 91387, MedGen C4707243, MONDO:0019625.

Allele frequency attached by ClinVar (database versions not stated): gnomAD exomes below 0.00001.
gnomAD v4.1: 1 of 1,613,630 alleles (0.000062%); highest among the groups gnomAD compares: South Asian, 0.0011%; no homozygotes.

Submission:

Color Diagnostics, LLC DBA Color Health
Classification: Uncertain significance for Familial thoracic aortic aneurysm and aortic dissection. Last evaluated: 2023-12-05. Review status: criteria provided, single submitter. Criteria: ACMG Guidelines, 2015. Collection method: clinical testing. Allele origin: germline.
Comment: Variant of Uncertain Significance due to insufficient evidence: This missense variant is located in the calcium-binding EGF-like motif 35 of the FBN1 protein. Computational prediction tools and conservation analyses suggest that this variant may have deleterious impact on the protein function. Computational splicing tools suggest that this variant may not impact the RNA splicing. To our knowledge, functional assays have not been performed for this variant nor has this variant been reported in individuals affected with cardiovascular disorders in the literature. This variant is rare in the general population and has been identified in 0/277264 chromosomes by the Genome Aggregation Database (gnomAD). Available evidence is insufficient to determine the pathogenicity of this variant conclusively.